The following is an entry in ClinVar:

NM_001330260.2(SCN8A):c.2266G>A (p.Asp756Asn)

Gene: SCN8A (sodium voltage-gated channel alpha subunit 8; plus strand). Cytogenetic location: 12q13.13.
Variant type: single nucleotide variant.
Coding change: c.2266G>A on transcript NM_001330260.2 (MANE Select); coding-DNA position 2266, G replaced by A.
Protein change: p.Asp756Asn; replaces aspartic acid 756 with asparagine.
Molecular consequence: missense variant.
Genome position (GRCh38, 1-based): chr12:51,751,489, G>A. VCF-style: chr12-51751489-G-A. GRCh37 (hg19) VCF-style: chr12-52145273-G-A.
Other names: c.2266G>A, p.Asp756Asn (NM_001177984.3, NM_001369788.1, NM_014191.4); short protein forms D756N.
Identifiers: ClinVar variation 2129007 (VCV002129007.6), dbSNP rs2540239327, ClinGen allele CA384879997.

ClinVar aggregate classification (germline): Pathogenic/Likely pathogenic. Review status: criteria provided, multiple submitters, no conflicts (2 of 4 stars). 2 submissions from 2 submitters: Pathogenic (1); Likely pathogenic (1). Last evaluated 2024-05-06.

Conditions:
Early-infantile DEE. Also called: Early infantile epileptic encephalopathy; Ohtahara syndrome; Early infantile epileptic encephalopathy with suppression bursts. Identifiers: Orphanet 1934, MedGen C0393706, MONDO:0800491.
Developmental and epileptic encephalopathy, 13 (DEE13). Also called: Early infantile epileptic encephalopathy 13; Developmental and Epileptic Encephalopathy (SCN8A-DEE); SCN8A-Related Epilepsy. Identifiers: Orphanet 442835, MedGen C3281191, MONDO:0013801, OMIM 614558.

Submissions (2):

Labcorp Genetics (formerly Invitae), Labcorp
Classification: Pathogenic for Early-infantile DEE. Last evaluated: 2024-05-06. Review status: criteria provided, single submitter. Criteria: Invitae Variant Classification Sherloc (09022015). Collection method: clinical testing. Allele origin: germline.
Comment: This sequence change replaces aspartic acid, which is acidic and polar, with asparagine, which is neutral and polar, at codon 756 of the SCN8A protein (p.Asp756Asn). This variant is not present in population databases (gnomAD no frequency). This missense change has been observed in individual(s) with SCN8A-related conditions (Invitae). In at least one individual the variant was observed to be de novo. ClinVar contains an entry for this variant (Variation ID: 2129007). Advanced modeling of protein sequence and biophysical properties (such as structural, functional, and spatial information, amino acid conservation, physicochemical variation, residue mobility, and thermodynamic stability) performed at Invitae indicates that this missense variant is expected to disrupt SCN8A protein function with a positive predictive value of 95%. For these reasons, this variant has been classified as Pathogenic.

Institute of Human Genetics, University of Leipzig Medical Center
Classification: Likely pathogenic for Developmental and epileptic encephalopathy, 13. Last evaluated: 2023-06-06. Review status: criteria provided, single submitter. Criteria: ACMG Guidelines, 2015. Collection method: clinical testing. Allele origin: paternal. Inheritance: Autosomal dominant inheritance. Affected: yes.
Comment: Criteria applied: PS2_MOD,PS3_MOD,PS4_SUP,PM2_SUP,PP2